The following is an entry in ClinVar:

ClinVar aggregate classification (germline): Uncertain significance (1 of 4 stars; one submission).

Conditions:
Inborn genetic diseases. Identifiers: MedGen C0950123, MeSH D030342.

gnomAD v4.1: 1 of 1,361,420 alleles (0.000073%); highest among the groups gnomAD compares: South Asian, 0.0018%; no homozygotes.

Submission:

Ambry Genetics
Classification: Uncertain significance for Inborn genetic diseases. Last evaluated: 2024-10-04. Review status: criteria provided, single submitter. Criteria: Ambry Variant Classification Scheme 2023. Collection method: clinical testing. Allele origin: germline.
Comment: The p.T59P variant (also known as c.175A>C), located in coding exon 1 of the KDM1A gene, results from an A to C substitution at nucleotide position 175. The threonine at codon 59 is replaced by proline, an amino acid with highly similar properties. This amino acid position is conserved. In addition, this alteration is predicted to be tolerated by in silico analysis. Based on the available evidence, the clinical significance of this variant remains unclear.

NM_001009999.3(KDM1A):c.175A>C (p.Thr59Pro)

Gene: KDM1A (lysine demethylase 1A; plus strand). Cytogenetic location: 1p36.12.
Variant type: single nucleotide variant.
Coding change: c.175A>C on transcript NM_001009999.3 (MANE Select); coding-DNA position 175, A replaced by C.
Protein change: p.Thr59Pro; replaces threonine 59 with proline.
Molecular consequence: missense variant.
Genome position (GRCh38, 1-based): chr1:23,019,771, A>C. VCF-style: chr1-23019771-A-C. GRCh37 (hg19) VCF-style: chr1-23346264-A-C.
Other names: c.175A>C, p.Thr59Pro (NM_001363654.2, NM_001410762.1, NM_001410763.1 and 1 more transcripts); short protein forms T59P.
Identifiers: ClinVar variation 3532898 (VCV003532898.1).
Genomic context (GRCh38, chr1:23,019,771, plus strand): 5'-GCGCAGCCCGCGGGCCTGTCGGGCCCAGCCGAGGTCGGGCCGGGGGCGGTGGGGGAGCGC[A>C]CACCCCGCAAGAAAGAGCCTCCGCGGGCCTCGCCCCCCGGGGGCCTGGCGGAACCGCCGG-3'
Protein context (NP_001009999.1, residues 49-69): EVGPGAVGER[Thr59Pro]PRKKEPPRAS